The following is an entry in ClinVar:

NM_001376.5(DYNC1H1):c.4142C>T (p.Ala1381Val)

Gene: DYNC1H1 (dynein cytoplasmic 1 heavy chain 1; plus strand). Cytogenetic location: 14q32.31.
Variant type: single nucleotide variant.
Coding change: c.4142C>T on transcript NM_001376.5 (MANE Select); coding-DNA position 4142, C replaced by T.
Protein change: p.Ala1381Val; replaces alanine 1381 with valine.
Molecular consequence: missense variant.
Genome position (GRCh38, 1-based): chr14:102,001,021, C>T. VCF-style: chr14-102001021-C-T. GRCh37 (hg19) VCF-style: chr14-102467358-C-T.
Other names: short protein forms A1381V.
Identifiers: ClinVar variation 2158640 (VCV002158640.4), dbSNP rs2503729548, ClinGen allele CA391039765.

ClinVar aggregate classification (germline): Uncertain significance (1 of 4 stars; one submission).

Conditions:
Charcot-Marie-Tooth disease axonal type 2O. Also called: CHARCOT-MARIE-TOOTH NEUROPATHY, AXONAL, TYPE 2O; CHARCOT-MARIE-TOOTH DISEASE, AXONAL, AUTOSOMAL DOMINANT, TYPE 2O; Charcot-Marie-Tooth Neuropathy Type 2O; Charcot-Marie-Tooth disease, axonal, type 20. Identifiers: Orphanet 284232, MedGen C3280220, MONDO:0013644, OMIM 614228.

Allele frequency attached by ClinVar (database versions not stated): gnomAD exomes below 0.00001.
gnomAD v4.1: 1 of 1,614,200 alleles (0.000062%); highest among the groups gnomAD compares: Non-Finnish European, 0.000085%; no homozygotes.

Submission:

Labcorp Genetics (formerly Invitae), Labcorp
Classification: Uncertain significance for Charcot-Marie-Tooth disease axonal type 2O. Last evaluated: 2025-02-19. Review status: criteria provided, single submitter. Criteria: Invitae Variant Classification Sherloc (09022015). Collection method: clinical testing. Allele origin: germline.
Comment: This sequence change replaces alanine, which is neutral and non-polar, with valine, which is neutral and non-polar, at codon 1381 of the DYNC1H1 protein (p.Ala1381Val). This variant is not present in population databases (gnomAD no frequency). This variant has not been reported in the literature in individuals affected with DYNC1H1-related conditions. ClinVar contains an entry for this variant (Variation ID: 2158640). Invitae Evidence Modeling of protein sequence and biophysical properties (such as structural, functional, and spatial information, amino acid conservation, physicochemical variation, residue mobility, and thermodynamic stability) has been performed for this missense variant. However, the output from this modeling did not meet the statistical confidence thresholds required to predict the impact of this variant on DYNC1H1 protein function. In summary, the available evidence is currently insufficient to determine the role of this variant in disease. Therefore, it has been classified as a Variant of Uncertain Significance.